The following is an entry in ClinVar:

NM_001377304.1(GFI1B):c.581G>A (p.Cys194Tyr)

Gene: GFI1B (growth factor independent 1B transcriptional repressor; plus strand). Cytogenetic location: 9q34.13.
Variant type: single nucleotide variant.
Coding change: c.581G>A on transcript NM_001377304.1 (MANE Select); coding-DNA position 581, G replaced by A.
Protein change: p.Cys194Tyr; replaces cysteine 194 with tyrosine.
Molecular consequence: missense variant. On other transcripts: intron variant (2).
Genome position (GRCh38, 1-based): chr9:132,989,131, G>A. VCF-style: chr9-132989131-G-A. GRCh37 (hg19) VCF-style: chr9-135864518-G-A.
Other names: c.581G>A, p.Cys194Tyr (NM_001371908.1, NM_004188.8); c.511-611G>A (NM_001135031.2, NM_001377305.1); short protein forms C194Y.
Identifiers: ClinVar variation 627337 (VCV000627337.9), dbSNP rs753406078, ClinGen allele CA5302001.
Genomic context (GRCh38, chr9:132,989,131, plus strand): 5'-CCCCTCACGGGCTCGAAGTGCATGTGCGACGCTCCCATAGTGGGACCCGGCCCTTCGCCT[G>A]TGACATCTGCGGCAAAACCTTCGGCCACGCTGTGAGCCTGGAGCAGCACACGCACGTCCA-3'
Protein context (NP_001364233.1, residues 184-204): RSHSGTRPFA[Cys194Tyr]DICGKTFGHA

ClinVar aggregate classification (germline): Uncertain significance. Review status: criteria provided, multiple submitters, no conflicts (2 of 4 stars). 5 submissions from 5 submitters: Uncertain significance (4). 1 of the submissions does not count toward it. Last evaluated 2026-06-12.

Conditions:
Thrombocytopenia. Identifiers: MedGen C0040034, MeSH D013921, MONDO:0002049, HP:0001873.
Platelet-type bleeding disorder 17 (BDPLT17). Also called: Thrombasthenia-thrombocytopenia, hereditary. Identifiers: Orphanet 721, MedGen C1861194, MONDO:0008553, OMIM 187900.

Allele frequency attached by ClinVar (database versions not stated): gnomAD exomes below 0.00001; TOPMed below 0.00001; ExAC 0.00001; gnomAD 0.00001.

Submissions (5):

Women's Health and Genetics/Laboratory Corporation of America, LabCorp
Classification: Uncertain significance. Last evaluated: 2026-06-12. Review status: criteria provided, single submitter. Criteria: LabCorp Variant Classification Summary - May 2015. Collection method: clinical testing. Allele origin: germline.
Comment: Variant summary: GFI1B c.581G>A (p.Cys194Tyr) results in a non-conservative amino acid change in the encoded protein sequence. Algorithms developed to predict the effect of missense changes on protein structure and function all suggest that this variant is likely to be disruptive. The variant allele was found at a frequency of 4e-06 in 251252 control chromosomes (gnomAD). The available data on variant occurrences in the general population are insufficient to allow any conclusion about variant significance. c.581G>A has been observed in an individual(s) affected with a platelet count disorder (Downes_2019). This report does not provide unequivocal conclusions about association of the variant with disease. To our knowledge, no experimental evidence demonstrating an impact on protein function has been reported. The following publication has been ascertained in the context of this evaluation (PMID: 31064749). ClinVar contains an entry for this variant (Variation ID: 627337). Based on the evidence outlined above, the variant was classified as uncertain significance.

Blueprint Genetics
Classification: Uncertain significance. Last evaluated: 2022-08-16. Review status: criteria provided, single submitter. Criteria: ACMG Guidelines, 2015. Collection method: clinical testing. Allele origin: germline.

NIHR Bioresource Rare Diseases, University of Cambridge
Classification: Uncertain significance for Thrombocytopenia. Last evaluated: 2019-02-01. Review status: criteria provided, single submitter. Criteria: ACMG Guidelines, 2015. Collection method: research. Allele origin: unknown. Affected: yes. Observed: 1 heterozygote. Study: ThromboGenomics.

Genetic Services Laboratory, University of Chicago
Classification: Uncertain significance. Last evaluated: 2018-06-27. Review status: criteria provided, single submitter. Criteria: ACMG Guidelines, 2015. Collection method: clinical testing. Allele origin: germline. Affected: no.

ISTH-SSC Genomics in Thrombosis and Hemostasis, KU Leuven, Center for Molecular and Vascular Biology
Classification: Uncertain significance for Platelet-type bleeding disorder 17. Review status: no assertion criteria provided. Collection method: clinical testing. Allele origin: germline. Affected: yes. Not counted in ClinVar's aggregate classification.
Comment: Submitted to GoldVariant by Juliana Perez Botero from Versiti Diagnostic Laboratories, USA

Literature cited by the submitters: PubMed 31064749 (cited by Women's Health and Genetics/Laboratory Corporation of America, LabCorp and NIHR Bioresource Rare Diseases, University of Cambridge).